The following is an entry in ClinVar:

ClinVar aggregate classification (germline): Uncertain significance. Review status: criteria provided, multiple submitters, no conflicts (2 of 4 stars). 3 submissions from 3 submitters: Uncertain significance (3). Last evaluated 2024-08-27.

Conditions:
Inborn genetic diseases. Identifiers: MedGen C0950123, MeSH D030342.
Atrial fibrillation, familial, 7 (ATFB7). Identifiers: MedGen C2677106, MONDO:0012828, OMIM 612240.

Allele frequency attached by ClinVar (database versions not stated): gnomAD exomes below 0.00001 and 0.00001; gnomAD 0.00001; TOPMed 0.00001.

Submissions (3):

Ambry Genetics
Classification: Uncertain significance for Inborn genetic diseases. Last evaluated: 2024-08-27. Review status: criteria provided, single submitter. Criteria: Ambry Variant Classification Scheme 2023. Collection method: clinical testing. Allele origin: germline.

Fulgent Genetics
Classification: Uncertain significance for Atrial fibrillation, familial, 7. Last evaluated: 2021-09-21. Review status: criteria provided, single submitter. Criteria: ACMG Guidelines, 2015. Collection method: clinical testing. Allele origin: unknown.

Labcorp Genetics (formerly Invitae), Labcorp
Classification: Uncertain significance for Atrial fibrillation, familial, 7. Last evaluated: 2020-06-15. Review status: criteria provided, single submitter. Criteria: Invitae Variant Classification Sherloc (09022015). Collection method: clinical testing. Allele origin: germline.
Comment: In summary, the available evidence is currently insufficient to determine the role of this variant in disease. Therefore, it has been classified as a Variant of Uncertain Significance. This sequence change replaces proline with serine at codon 296 of the KCNA5 protein (p.Pro296Ser). The proline residue is weakly conserved and there is a moderate physicochemical difference between proline and serine. Algorithms developed to predict the effect of missense changes on protein structure and function output the following: SIFT: "Tolerated"; PolyPhen-2: "Benign"; Align-GVGD: "Class C0". The serine amino acid residue is found in multiple mammalian species, suggesting that this missense change does not adversely affect protein function. These predictions have not been confirmed by published functional studies and their clinical significance is uncertain. This variant has not been reported in the literature in individuals with KCNA5-related conditions. This variant is not present in population databases (ExAC no frequency).

NM_002234.4(KCNA5):c.886C>T (p.Pro296Ser)

Gene: KCNA5 (potassium voltage-gated channel subfamily A member 5; plus strand). Cytogenetic location: 12p13.32.
Variant type: single nucleotide variant.
Coding change: c.886C>T on transcript NM_002234.4 (MANE Select); coding-DNA position 886, C replaced by T.
Protein change: p.Pro296Ser; replaces proline 296 with serine.
Molecular consequence: missense variant.
Genome position (GRCh38, 1-based): chr12:5,045,033, C>T. VCF-style: chr12-5045033-C-T. GRCh37 (hg19) VCF-style: chr12-5154199-C-T.
Other names: c.886C>T (NM_002234.2); short protein forms P296S.
Identifiers: ClinVar variation 1034637 (VCV001034637.10), dbSNP rs1172777549, ClinGen allele CA383465355.
Genomic context (GRCh38, chr12:5,045,033, plus strand): 5'-AGGGATGAACGTGAGCTGCTCCGCCACCCTCCGGCGCCCCACCAGCCTCCCGCGCCCGCC[C>T]CTGGGGCCAACGGCAGCGGGGTCATGGCCCCGCCCTCTGGCCCTACGGTGGCACCGCTCC-3'
Protein context (NP_002225.2, residues 286-306): PAPHQPPAPA[Pro296Ser]GANGSGVMAP